The following is an entry in ClinVar:

ClinVar aggregate classification (germline): Likely benign (0 of 4 stars; one submission).

Conditions:
THBS1-related disorder. Also called: THBS1-related condition.

Allele frequency attached by ClinVar (database versions not stated): gnomAD exomes 0.00027; gnomAD 0.00030; TOPMed 0.00049; ExAC 0.00087; 1000 Genomes Project 30x 0.00094; 1000 Genomes Project 0.00120.
gnomAD v4.1: 458 of 1,614,158 alleles (0.028%); highest among the groups gnomAD compares: East Asian, 0.86%; 2 homozygotes.

Submission:

PreventionGenetics, part of Exact Sciences
Classification: Likely benign for THBS1-related condition. Last evaluated: 2019-04-01. Review status: no assertion criteria provided. Collection method: clinical testing. Allele origin: germline.
Comment: This variant is classified as likely benign based on ACMG/AMP sequence variant interpretation guidelines (Richards et al. 2015 PMID: 25741868, with internal and published modifications).

NM_003246.4(THBS1):c.1802A>G (p.Asn601Ser)

Gene: THBS1 (thrombospondin 1; plus strand). Cytogenetic location: 15q14.
Variant type: single nucleotide variant.
Coding change: c.1802A>G on transcript NM_003246.4 (MANE Select); coding-DNA position 1802, A replaced by G.
Protein change: p.Asn601Ser; replaces asparagine 601 with serine.
Molecular consequence: missense variant.
Genome position (GRCh38, 1-based): chr15:39,589,230, A>G. VCF-style: chr15-39589230-A-G. GRCh37 (hg19) VCF-style: chr15-39881431-A-G.
Other names: short protein forms N601S.
Identifiers: ClinVar variation 3043216 (VCV003043216.2), dbSNP rs201454661, ClinGen allele CA7472070.